The following is an entry in ClinVar:

NM_000317.3(PTS):c.193C>T (p.Pro65Ser)

Gene: PTS (6-pyruvoyltetrahydropterin synthase; plus strand). Cytogenetic location: 11q23.1.
Variant type: single nucleotide variant.
Coding change: c.193C>T on transcript NM_000317.3 (MANE Select); coding-DNA position 193, C replaced by T.
Protein change: p.Pro65Ser; replaces proline 65 with serine.
Molecular consequence: missense variant.
Genome position (GRCh38, 1-based): chr11:112,230,632, C>T. VCF-style: chr11-112230632-C-T. GRCh37 (hg19) VCF-style: chr11-112101355-C-T.
Other names: short protein forms P65S.
Identifiers: ClinVar variation 2910293 (VCV002910293.3), dbSNP rs2496567532, ClinGen allele CA382627623.

ClinVar aggregate classification (germline): Uncertain significance (1 of 4 stars; one submission).

Conditions:
6-Pyruvoyl-tetrahydrobiopterin synthase deficiency. Also called: Hyperphenylalanemia, BH4-deficient, A; Hyperphenylalaninemia due to 6-pyruvoyl-tetrahydropterin synthase deficiency; BH4-deficient hyperphenylalaninemia A; PTS DEFICIENCY; 6-Pyruvoyltetrahydropterin Synthase Deficiency; HYPERPHENYLALANINEMIA, TETRAHYDROBIOPTERIN-DEFICIENT, DUE TO PTS DEFICIENCY. Identifiers: Orphanet 13, Orphanet 238583, MedGen C0878676, MONDO:0009863, OMIM 261640.

Allele frequency attached by ClinVar (database versions not stated): gnomAD exomes below 0.00001.
gnomAD v4.1: 2 of 1,609,384 alleles (0.00012%); highest among the groups gnomAD compares: Non-Finnish European, 0.000085%; no homozygotes.

Submission:

Labcorp Genetics (formerly Invitae), Labcorp
Classification: Uncertain significance for 6-Pyruvoyl-tetrahydrobiopterin synthase deficiency. Last evaluated: 2023-12-05. Review status: criteria provided, single submitter. Criteria: Invitae Variant Classification Sherloc (09022015). Collection method: clinical testing. Allele origin: germline.
Comment: This sequence change replaces proline, which is neutral and non-polar, with serine, which is neutral and polar, at codon 65 of the PTS protein (p.Pro65Ser). This variant is not present in population databases (gnomAD no frequency). This missense change has been observed in individual(s) with phenylketonuria (PMID: 29499199). An algorithm developed to predict the effect of missense changes on protein structure and function (PolyPhen-2) suggests that this variant is likely to be tolerated. In summary, the available evidence is currently insufficient to determine the role of this variant in disease. Therefore, it has been classified as a Variant of Uncertain Significance.

Literature cited by the submitters: PubMed 29499199.